The following is an entry in ClinVar:

NM_152296.5(ATP1A3):c.1437+4C>T

Gene: ATP1A3 (ATPase Na+/K+ transporting subunit alpha 3; minus strand). Cytogenetic location: 19q13.2.
Variant type: single nucleotide variant.
Coding change: c.1437+4C>T on transcript NM_152296.5 (MANE Select); 4 bases into the intron after coding-DNA position 1437, C replaced by T.
Molecular consequence: intron variant.
Genome position (GRCh38, 1-based): chr19:41,981,498, G>A on the plus strand (C>T on the coding strand, the complement: ATP1A3 is on the minus strand). VCF-style: chr19-41981498-G-A. GRCh37 (hg19) VCF-style: chr19-42485650-G-A.
Other names: c.1476+4C>T (NM_001256214.2); c.1470+4C>T (NM_001256213.2).
Identifiers: ClinVar variation 1420562 (VCV001420562.6), dbSNP rs2145971500, ClinGen allele CA2573156414.
Genomic context (GRCh38, chr19:41,981,498, plus strand): 5'-CCTCTTTACAGGCGTCATAAGGAACCTGAGGTCCAGGCTGGCTCTCCCGGAAAGCCCAGA[G>A]TACCTGGTATTTGTTGGTGGAATTGAAGGGAATCTCAGCCACTTTCTTGTTGCGTTCACG-3'

ClinVar aggregate classification (germline): Uncertain significance (1 of 4 stars; one submission).

Conditions:
Dystonia 12 (DYT12). Also called: Rapid-Onset Dystonia-Parkinsonism (RDP); DYT-ATP1A3. Identifiers: Orphanet 71517, MedGen C1868681, MONDO:0007496, OMIM 128235.

Submission:

Labcorp Genetics (formerly Invitae), Labcorp
Classification: Uncertain significance for Dystonia 12. Last evaluated: 2021-08-06. Review status: criteria provided, single submitter. Criteria: Invitae Variant Classification Sherloc (09022015). Collection method: clinical testing. Allele origin: germline.
Comment: This sequence change falls in intron 11 of the ATP1A3 gene. It does not directly change the encoded amino acid sequence of the ATP1A3 protein. It affects a nucleotide within the consensus splice site of the intron. This variant is not present in population databases (ExAC no frequency). This variant has not been reported in the literature in individuals affected with ATP1A3-related conditions. Variants that disrupt the consensus splice site are a relatively common cause of aberrant splicing (PMID: 17576681, 9536098). Algorithms developed to predict the effect of sequence changes on RNA splicing suggest that this variant is not likely to affect RNA splicing. In summary, the available evidence is currently insufficient to determine the role of this variant in disease. Therefore, it has been classified as a Variant of Uncertain Significance.

Literature cited by the submitters: PubMed 17576681; PubMed 9536098.